The following is an entry in ClinVar:

NM_000051.4(ATM):c.3324G>A (p.Leu1108=)

Gene: ATM (ATM serine/threonine kinase; plus strand). Cytogenetic location: 11q22.3.
Variant type: single nucleotide variant.
Coding change: c.3324G>A on transcript NM_000051.4 (MANE Select); coding-DNA position 3324, G replaced by A.
Protein change: p.Leu1108=; no amino-acid change (leucine 1108 retained).
Molecular consequence: synonymous variant.
Genome position (GRCh38, 1-based): chr11:108,279,530, G>A. VCF-style: chr11-108279530-G-A. GRCh37 (hg19) VCF-style: chr11-108150257-G-A.
Other names: c.3324G>A, p.Leu1108= (NM_001351834.2).
Identifiers: ClinVar variation 2199999 (VCV002199999.7), dbSNP rs762269034, ClinGen allele CA6265263.

ClinVar aggregate classification (germline): Benign/Likely benign. Review status: criteria provided, multiple submitters, no conflicts (2 of 4 stars). 3 submissions from 3 submitters: Benign (1); Likely benign (2). Last evaluated 2024-11-02.

Conditions:
Ataxia-telangiectasia syndrome (AT). Also called: LOUIS-BAR SYNDROME; Ataxia-telangiectasia, complementation group D; Ataxia telangiectasia (A-T); Cerebello-oculocutaneous telangiectasia; Immunodeficiency with ataxia telangiectasia; AT, COMPLEMENTATION GROUP C. Identifiers: Orphanet 100, MedGen C0004135, MONDO:0008840, OMIM 208900.
Hereditary cancer-predisposing syndrome. Also called: Neoplastic Syndromes, Hereditary; Tumor predisposition; Hereditary neoplastic syndrome; Hereditary Cancer Syndrome. Identifiers: Orphanet 140162, MedGen C0027672, MeSH D009386, MONDO:0015356.
Familial cancer of breast. Also called: hereditary breast carcinoma; Hereditary breast cancer; BREAST CANCER, FAMILIAL. Identifiers: Orphanet 227535, MedGen C0346153, MONDO:0016419, OMIM 114480. Disease mechanism: loss of function.

Allele frequency attached by ClinVar (database versions not stated): TOPMed below 0.00001; ExAC 0.00001; gnomAD 0.00001.
gnomAD v4.1: 1 of 1,613,506 alleles (0.000062%); highest among the groups gnomAD compares: African/African-American, 0.0013%; no homozygotes.

Submissions (3):

Labcorp Genetics (formerly Invitae), Labcorp
Classification: Likely benign for Ataxia-telangiectasia syndrome. Last evaluated: 2024-11-02. Review status: criteria provided, single submitter. Criteria: Invitae Variant Classification Sherloc (09022015). Collection method: clinical testing. Allele origin: germline.

Myriad Genetics, Inc.
Classification: Benign for Familial cancer of breast. Last evaluated: 2024-05-14. Review status: criteria provided, single submitter. Criteria: Myriad Autosomal Dominant, Autosomal Recessive and X-Linked Classification Criteria (2023). Collection method: clinical testing. Allele origin: unknown.
Comment: This variant is considered benign. This variant is a silent/synonymous amino acid change and it is not expected to impact splicing.

Ambry Genetics
Classification: Likely benign for Hereditary cancer-predisposing syndrome. Last evaluated: 2022-11-15. Review status: criteria provided, single submitter. Criteria: Ambry Variant Classification Scheme 2023. Collection method: clinical testing. Allele origin: germline.